The following is an entry in ClinVar:

ClinVar aggregate classification (germline): Uncertain significance (1 of 4 stars; one submission).

Submission:

Labcorp Genetics (formerly Invitae), Labcorp
Classification: Uncertain significance. Last evaluated: 2023-04-26. Review status: criteria provided, single submitter. Criteria: Invitae Variant Classification Sherloc (09022015). Collection method: clinical testing. Allele origin: germline.
Comment: This sequence change falls in intron 4 of the KANK1 gene. It does not directly change the encoded amino acid sequence of the KANK1 protein. It affects a nucleotide within the consensus splice site. This variant is not present in population databases (gnomAD no frequency). This variant has not been reported in the literature in individuals affected with KANK1-related conditions. Variants that disrupt the consensus splice site are a relatively common cause of aberrant splicing (PMID: 17576681, 9536098). Algorithms developed to predict the effect of sequence changes on RNA splicing suggest that this variant is not likely to affect RNA splicing. In summary, the available evidence is currently insufficient to determine the role of this variant in disease. Therefore, it has been classified as a Variant of Uncertain Significance.

Literature cited by the submitters: PubMed 17576681; PubMed 9536098.

NM_015158.5(KANK1):c.2896+6T>G

Gene: KANK1 (KN motif and ankyrin repeat domains 1; plus strand). Cytogenetic location: 9p24.3.
Variant type: single nucleotide variant.
Coding change: c.2896+6T>G on transcript NM_015158.5 (MANE Select); 6 bases into the intron after coding-DNA position 2896, T replaced by G.
Molecular consequence: intron variant.
Genome position (GRCh38, 1-based): chr9:730,254, T>G. VCF-style: chr9-730254-T-G. GRCh37 (hg19) VCF-style: chr9-730254-T-G.
Other names: c.2896+6T>G (NM_001256876.3, NM_001354334.2, NM_001256877.3 and 1 more transcripts); c.2422+6T>G (NM_001354333.2, NM_001354335.2, NM_001354337.2 and 5 more transcripts); c.2842+60T>G (NM_001354332.2); c.2368+60T>G (NM_001354336.2, NM_001354338.2, NM_001354340.2 and 1 more transcripts).
Identifiers: ClinVar variation 2859386 (VCV002859386.3), dbSNP rs2540344306, ClinGen allele CA2739269060.